The following is an entry in ClinVar:

ClinVar aggregate classification (germline): Conflicting classifications of pathogenicity. Review status: criteria provided, conflicting classifications (1 of 4 stars). 3 submissions from 3 submitters: Uncertain significance (1); Benign (1); Likely benign (1). Last evaluated 2025-05-15.

Conditions:
Tuberous sclerosis syndrome (TSC). Also called: Tuberous Sclerosis Complex; Tuberous sclerosis. Identifiers: Orphanet 805, MedGen C0041341, MONDO:0001734.
Tuberous sclerosis 2 (TSC2). Identifiers: Orphanet 805, MedGen C1860707, MONDO:0013199, OMIM 613254.

gnomAD v4.1: 1 of 1,613,150 alleles (0.000062%); highest among the groups gnomAD compares: South Asian, 0.0011%; no homozygotes.

Submissions (3):

Myriad Genetics, Inc.
Classification: Benign for Tuberous sclerosis 2. Last evaluated: 2025-05-15. Review status: criteria provided, single submitter. Criteria: Myriad Autosomal Dominant, Autosomal Recessive and X-Linked Classification Criteria (2023). Collection method: clinical testing. Allele origin: unknown.
Comment: This variant is considered benign. This variant is a silent/synonymous amino acid change and it is not expected to impact splicing.

Labcorp Genetics (formerly Invitae), Labcorp
Classification: Likely benign for Tuberous sclerosis 2. Last evaluated: 2025-03-07. Review status: criteria provided, single submitter. Criteria: Invitae Variant Classification Sherloc (09022015). Collection method: clinical testing. Allele origin: germline.

Illumina Laboratory Services, Illumina
Classification: Uncertain significance for Tuberous sclerosis syndrome. Last evaluated: 2017-04-27. Review status: criteria provided, single submitter. Criteria: ICSL Variant Classification Criteria 13 December 2019. Collection method: clinical testing. Allele origin: germline.

NM_000548.5(TSC2):c.1821G>C (p.Ala607=)

Gene: TSC2 (TSC complex subunit 2; plus strand). Cytogenetic location: 16p13.3.
Variant type: single nucleotide variant.
Coding change: c.1821G>C on transcript NM_000548.5 (MANE Select); coding-DNA position 1821, G replaced by C.
Protein change: p.Ala607=; no amino-acid change (alanine 607 retained).
Molecular consequence: synonymous variant.
Genome position (GRCh38, 1-based): chr16:2,070,560, G>C. VCF-style: chr16-2070560-G-C. GRCh37 (hg19) VCF-style: chr16-2120561-G-C.
Other names: c.1821G>C, p.Ala607= (NM_001077183.3, NM_001114382.3, NM_001363528.2 and 3 more transcripts); c.1710G>C, p.Ala570= (NM_001318827.2); c.1674G>C, p.Ala558= (NM_001318829.2); c.1221G>C, p.Ala407= (NM_001318831.2); c.1854G>C, p.Ala618= (NM_001318832.2).
Identifiers: ClinVar variation 886713 (VCV000886713.7), dbSNP rs149543046, ClinGen allele CA492949893.